The following is an entry in ClinVar:

ClinVar aggregate classification (germline): Uncertain significance. Review status: criteria provided, multiple submitters, no conflicts (2 of 4 stars). 2 submissions from 2 submitters: Uncertain significance (2). Last evaluated 2025-08-04.

Conditions:
Hereditary cancer-predisposing syndrome. Also called: Tumor predisposition; Neoplastic Syndromes, Hereditary; Hereditary neoplastic syndrome; Hereditary Cancer Syndrome. Identifiers: Orphanet 140162, MedGen C0027672, MeSH D009386, MONDO:0015356.
Hereditary diffuse gastric adenocarcinoma (HDGC). Also called: DIFFUSE GASTRIC AND LOBULAR BREAST CANCER SYNDROME. Identifiers: Orphanet 26106, MedGen C1708349, MONDO:0007648, OMIM 137215.

Allele frequency attached by ClinVar (database versions not stated): TOPMed below 0.00001.
gnomAD v4.1: 1 of 1,614,214 alleles (0.000062%); highest among the groups gnomAD compares: Non-Finnish European, 0.000085%; no homozygotes.

Submissions (2):

Ambry Genetics
Classification: Uncertain significance for Hereditary cancer-predisposing syndrome. Last evaluated: 2025-08-04. Review status: criteria provided, single submitter. Criteria: Ambry Variant Classification Scheme 2023. Collection method: clinical testing. Allele origin: germline.
Comment: The p.D479H variant (also known as c.1435G>C), located in coding exon 10 of the CDH1 gene, results from a G to C substitution at nucleotide position 1435. The aspartic acid at codon 479 is replaced by histidine, an amino acid with similar properties. This amino acid position is highly conserved in available vertebrate species. In addition, this alteration is predicted to be deleterious by in silico analysis. Since supporting evidence is limited at this time, the clinical significance of this alteration remains unclear.

Labcorp Genetics (formerly Invitae), Labcorp
Classification: Uncertain significance for Hereditary diffuse gastric adenocarcinoma. Last evaluated: 2023-06-09. Review status: criteria provided, single submitter. Criteria: Invitae Variant Classification Sherloc (09022015). Collection method: clinical testing. Allele origin: germline.
Comment: In summary, the available evidence is currently insufficient to determine the role of this variant in disease. Therefore, it has been classified as a Variant of Uncertain Significance. An algorithm developed to predict the effect of missense changes on protein structure and function (PolyPhen-2) suggests that this variant is likely to be disruptive. ClinVar contains an entry for this variant (Variation ID: 142886). This variant has not been reported in the literature in individuals affected with CDH1-related conditions. This variant is not present in population databases (gnomAD no frequency). This sequence change replaces aspartic acid, which is acidic and polar, with histidine, which is basic and polar, at codon 479 of the CDH1 protein (p.Asp479His).

NM_004360.5(CDH1):c.1435G>C (p.Asp479His)

Gene: CDH1 (cadherin 1; plus strand). Cytogenetic location: 16q22.1.
Variant type: single nucleotide variant.
Coding change: c.1435G>C on transcript NM_004360.5 (MANE Select); coding-DNA position 1435, G replaced by C.
Protein change: p.Asp479His; replaces aspartic acid 479 with histidine.
Molecular consequence: missense variant. On other transcripts: 5 prime UTR variant (2).
Genome position (GRCh38, 1-based): chr16:68,815,629, G>C. VCF-style: chr16-68815629-G-C. GRCh37 (hg19) VCF-style: chr16-68849532-G-C.
Other names: c.1252G>C, p.Asp418His (NM_001317184.2); c.-114G>C (NM_001317185.2); c.-385G>C (NM_001317186.2); c.1435G>C (LRG_301t1); short protein forms D479H, D418H.
Identifiers: ClinVar variation 142886 (VCV000142886.14), dbSNP rs587782796, ClinGen allele CA169675.